The following is an entry in ClinVar:

NM_198053.3(CD247):c.26C>T (p.Ala9Val)

Gene: CD247 (CD247 molecule; minus strand). Cytogenetic location: 1q24.2.
Variant type: single nucleotide variant.
Coding change: c.26C>T on transcript NM_198053.3 (MANE Select); coding-DNA position 26, C replaced by T.
Protein change: p.Ala9Val; replaces alanine 9 with valine.
Molecular consequence: missense variant.
Genome position (GRCh38, 1-based): chr1:167,518,440, G>A on the plus strand (C>T on the coding strand, the complement: CD247 is on the minus strand). VCF-style: chr1-167518440-G-A. GRCh37 (hg19) VCF-style: chr1-167487677-G-A.
Other names: c.26C>T, p.Ala9Val (NM_000734.4, NM_001378515.1, NM_001378516.1); short protein forms A9V.
Identifiers: ClinVar variation 1440885 (VCV001440885.7), dbSNP rs200420054, ClinGen allele CA1226145.
Genomic context (GRCh38, chr1:167,518,440, plus strand): 5'-TTCCCTGCCGTCGACACGTCGGCCCTACCTGTAATCGGCAACTGTGCCTGCAGGATGGCC[G>A]CGGTGAAAAGCGCCTTCCACTTCATCTTGTCCTTTCCCTCAGAAAGAGGCTGGGAGGCAG-3'
Protein context (NP_932170.1, residues 1-19): MKWKALFT[Ala9Val]AILQAQLPIT

ClinVar aggregate classification (germline): Uncertain significance (1 of 4 stars; one submission).

Conditions:
Immunodeficiency 25. Also called: Immunodeficiency due to defect in cd3-zeta, somatic. Identifiers: MedGen C1857798, MONDO:0012426, OMIM 610163.

Allele frequency attached by ClinVar (database versions not stated): gnomAD exomes below 0.00001; TOPMed below 0.00001; ExAC 0.00001; 1000 Genomes Project 0.00020; 1000 Genomes Project 30x 0.00031.
gnomAD v4.1: 14 of 1,614,154 alleles (0.00087%); highest among the groups gnomAD compares: Admixed American, 0.0033%; no homozygotes.

Submission:

Labcorp Genetics (formerly Invitae), Labcorp
Classification: Uncertain significance for Immunodeficiency 25. Last evaluated: 2024-10-21. Review status: criteria provided, single submitter. Criteria: Invitae Variant Classification Sherloc (09022015). Collection method: clinical testing. Allele origin: germline.
Comment: This sequence change replaces alanine, which is neutral and non-polar, with valine, which is neutral and non-polar, at codon 9 of the CD247 protein (p.Ala9Val). This variant is present in population databases (rs200420054, gnomAD no frequency). This variant has not been reported in the literature in individuals affected with CD247-related conditions. ClinVar contains an entry for this variant (Variation ID: 1440885). An algorithm developed to predict the effect of missense changes on protein structure and function outputs the following: PolyPhen-2: "Benign". The valine amino acid residue is found in multiple mammalian species, which suggests that this missense change does not adversely affect protein function. In summary, the available evidence is currently insufficient to determine the role of this variant in disease. Therefore, it has been classified as a Variant of Uncertain Significance.